The following is an entry in ClinVar:

NM_000179.3(MSH6):c.1564C>G (p.Gln522Glu)

Gene: MSH6 (mutS homolog 6; plus strand). Cytogenetic location: 2p16.3.
Variant type: single nucleotide variant.
Coding change: c.1564C>G on transcript NM_000179.3 (MANE Select); coding-DNA position 1564, C replaced by G.
Protein change: p.Gln522Glu; replaces glutamine 522 with glutamic acid.
Molecular consequence: missense variant.
Genome position (GRCh38, 1-based): chr2:47,799,547, C>G. VCF-style: chr2-47799547-C-G. GRCh37 (hg19) VCF-style: chr2-48026686-C-G.
Other names: c.1174C>G, p.Gln392Glu (NM_001281492.2); c.658C>G, p.Gln220Glu (NM_001281493.2, NM_001281494.2); short protein forms Q522E, Q220E, Q392E.
Identifiers: ClinVar variation 628877 (VCV000628877.8), dbSNP rs878853708, ClinGen allele CA346746742.
Genomic context (GRCh38, chr2:47,799,547, plus strand): 5'-ATATCCAAGTATGATAGAGTGGTGAGGAGGGAGATCTGTAGGATCATTACCAAGGGTACA[C>G]AGACTTACAGTGTGCTGGAAGGTGATCCCTCTGAGAACTACAGTAAGTATCTTCTTAGCC-3'
Protein context (NP_000170.1, residues 512-532): EICRIITKGT[Gln522Glu]TYSVLEGDPS

ClinVar aggregate classification (germline): Uncertain significance. Review status: criteria provided, multiple submitters, no conflicts (2 of 4 stars). 2 submissions from 2 submitters: Uncertain significance (2). Last evaluated 2023-12-18.

Conditions:
Hereditary nonpolyposis colorectal neoplasms. Identifiers: MedGen C0009405, MeSH D003123.
Hereditary cancer-predisposing syndrome. Also called: Neoplastic Syndromes, Hereditary; Tumor predisposition; Hereditary neoplastic syndrome; Hereditary Cancer Syndrome. Identifiers: Orphanet 140162, MedGen C0027672, MeSH D009386, MONDO:0015356.

Submissions (2):

Labcorp Genetics (formerly Invitae), Labcorp
Classification: Uncertain significance for Hereditary nonpolyposis colorectal neoplasms. Last evaluated: 2023-12-18. Review status: criteria provided, single submitter. Criteria: Invitae Variant Classification Sherloc (09022015). Collection method: clinical testing. Allele origin: germline.
Comment: This sequence change replaces glutamine, which is neutral and polar, with glutamic acid, which is acidic and polar, at codon 522 of the MSH6 protein (p.Gln522Glu). This variant is not present in population databases (gnomAD no frequency). This variant has not been reported in the literature in individuals affected with MSH6-related conditions. ClinVar contains an entry for this variant (Variation ID: 628877). Advanced modeling of protein sequence and biophysical properties (such as structural, functional, and spatial information, amino acid conservation, physicochemical variation, residue mobility, and thermodynamic stability) performed at Invitae indicates that this missense variant is not expected to disrupt MSH6 protein function with a negative predictive value of 95%. In summary, the available evidence is currently insufficient to determine the role of this variant in disease. Therefore, it has been classified as a Variant of Uncertain Significance.

Color Diagnostics, LLC DBA Color Health
Classification: Uncertain significance for Hereditary cancer-predisposing syndrome. Last evaluated: 2023-12-04. Review status: criteria provided, single submitter. Criteria: ACMG Guidelines, 2015. Collection method: clinical testing. Allele origin: germline.
Comment: This missense variant replaces glutamine with glutamic acid at codon 522 of the MSH6 protein. Computational prediction is inconclusive regarding the impact of this variant on protein structure and function (internally defined REVEL score threshold 0.5 < inconclusive < 0.7, PMID: 27666373). To our knowledge, functional studies have not been reported for this variant. This variant has not been reported in individuals affected with MSH6-related disorders in the literature. This variant has not been identified in the general population by the Genome Aggregation Database (gnomAD). The available evidence is insufficient to determine the role of this variant in disease conclusively. Therefore, this variant is classified as a Variant of Uncertain Significance.